The following is an entry in ClinVar:

ClinVar aggregate classification (germline): Likely benign. Review status: criteria provided, single submitter (1 of 4 stars). 2 submissions from 2 submitters: Likely benign (1). 1 of the submissions does not count toward it. Last evaluated 2018-07-16.

Conditions:
NODAL-related disorder. Also called: NODAL-related disorders; NODAL-related condition. Identifiers: MedGen CN239298.

Submissions (2):

Labcorp Genetics (formerly Invitae), Labcorp
Classification: Likely benign. Last evaluated: 2018-07-16. Review status: criteria provided, single submitter. Criteria: Invitae Variant Classification Sherloc (09022015). Collection method: clinical testing. Allele origin: germline.

PreventionGenetics, part of Exact Sciences
Classification: Likely benign for NODAL-related condition. Last evaluated: 2019-05-13. Review status: no assertion criteria provided. Collection method: clinical testing. Allele origin: germline. Not counted in ClinVar's aggregate classification.
Comment: This variant is classified as likely benign based on ACMG/AMP sequence variant interpretation guidelines (Richards et al. 2015 PMID: 25741868, with internal and published modifications).

NM_018055.5(NODAL):c.945A>G (p.Pro315=)

Gene: NODAL (nodal growth differentiation factor; minus strand). Cytogenetic location: 10q22.1.
Variant type: single nucleotide variant.
Coding change: c.945A>G on transcript NM_018055.5 (MANE Select); coding-DNA position 945, A replaced by G.
Protein change: p.Pro315=; no amino-acid change (proline 315 retained).
Molecular consequence: synonymous variant.
Genome position (GRCh38, 1-based): chr10:70,433,035, T>C on the plus strand (A>G on the coding strand, the complement: NODAL is on the minus strand). VCF-style: chr10-70433035-T-C. GRCh37 (hg19) VCF-style: chr10-72192791-T-C.
Other names: c.546A>G, p.Pro182= (NM_001329906.2).
Identifiers: ClinVar variation 699343 (VCV000699343.5), dbSNP rs1589151449, ClinGen allele CA470038401.
Genomic context (GRCh38, chr10:70,433,035, plus strand): 5'-GTGATCTAGGAGCACTCTGCCATTATCCACATACAGCATGCTCAGCGGCTTGGTCTTCAC[T>C]GGGGCACAACAAGTGGAAGGGACTCGGTGGGGCTGGTAACGTTTCAGCAGACTCTGTAAA-3'
Protein context (NP_060525.3, residues 305-325): PHRVPSTCCA[Pro315=]VKTKPLSMLY